The following is an entry in ClinVar:

NM_001134673.4(NFIA):c.702A>G (p.Thr234=)

Gene: NFIA (nuclear factor I A; plus strand). Cytogenetic location: 1p31.3.
Variant type: single nucleotide variant.
Coding change: c.702A>G on transcript NM_001134673.4 (MANE Select); coding-DNA position 702, A replaced by G.
Protein change: p.Thr234=; no amino-acid change (threonine 234 retained).
Molecular consequence: synonymous variant.
Genome position (GRCh38, 1-based): chr1:61,352,451, A>G. VCF-style: chr1-61352451-A-G. GRCh37 (hg19) VCF-style: chr1-61818123-A-G.
Other names: c.702A>G, p.Thr234= (NM_005595.5); c.678A>G, p.Thr226= (NM_001145511.2); c.837A>G, p.Thr279= (NM_001145512.2).
Identifiers: ClinVar variation 3341683 (VCV003341683.17).

ClinVar aggregate classification (germline): Likely benign. Review status: criteria provided, multiple submitters, no conflicts (2 of 4 stars). 2 submissions from 2 submitters: Likely benign (2). Last evaluated 2025-06-05.

gnomAD v4.1: 56 of 1,607,302 alleles (0.0035%); highest among the groups gnomAD compares: South Asian, 0.017%; no homozygotes.

Submissions (2):

Labcorp Genetics (formerly Invitae), Labcorp
Classification: Likely benign. Last evaluated: 2025-06-05. Review status: criteria provided, single submitter. Criteria: Invitae Variant Classification Sherloc (09022015). Collection method: clinical testing. Allele origin: germline.

CeGaT Center for Human Genetics Tuebingen
Classification: Likely benign. Last evaluated: 2024-08-01. Review status: criteria provided, single submitter. Criteria: CeGaT Center For Human Genetics Tuebingen Variant Classification Criteria Version 2. Collection method: clinical testing. Allele origin: germline. Affected: yes. Observed: 1 variant allele.
Comment: NFIA: BP4